The following is an entry in ClinVar:

ClinVar aggregate classification (germline): Conflicting classifications of pathogenicity. Review status: criteria provided, conflicting classifications (1 of 4 stars). 2 submissions from 2 submitters: Uncertain significance (1); Likely benign (1). Last evaluated 2025-12-23.

Conditions:
Hereditary cancer-predisposing syndrome. Also called: Neoplastic Syndromes, Hereditary; Tumor predisposition; Hereditary Cancer Syndrome; Hereditary neoplastic syndrome. Identifiers: Orphanet 140162, MedGen C0027672, MeSH D009386, MONDO:0015356.
Breast-ovarian cancer, familial, susceptibility to, 2 (BROVCA2). Also called: BRCA2 Hereditary Breast and Ovarian Cancer. Identifiers: Orphanet 145, MedGen C2675520, MONDO:0012933, OMIM 612555. Disease mechanism: loss of function.

Submissions (2):

Ambry Genetics
Classification: Likely benign for Hereditary cancer-predisposing syndrome. Last evaluated: 2025-12-23. Review status: criteria provided, single submitter. Criteria: Ambry Variant Classification Scheme 2023. Collection method: clinical testing. Allele origin: germline.

All of Us Research Program, National Institutes of Health
Classification: Uncertain significance for Breast-ovarian cancer, familial, susceptibility to, 2. Last evaluated: 2023-12-18. Review status: criteria provided, single submitter. Criteria: ACMG Guidelines, 2015. Collection method: clinical testing. Allele origin: germline. Inheritance: Autosomal dominant inheritance. Observed: 1 variant allele, 1 heterozygote.
Comment: This missense variant replaces glutamic acid with aspartic acid at codon 3330 of the BRCA2 protein. Computational prediction suggests that this variant may not impact protein structure and function (internally defined REVEL score threshold <= 0.5, PMID: 27666373). To our knowledge, functional studies have not been reported for this variant. This variant has not been reported in individuals affected with BRCA2-related disorders in the literature. This variant has not been identified in the general population by the Genome Aggregation Database (gnomAD). The available evidence is insufficient to determine the role of this variant in disease conclusively. Therefore, this variant is classified as a Variant of Uncertain Significance.

This study involves interpretation of variants in research participants for the purpose of population health screening. Participant phenotype was not available at the time of variant classification. Additional details can be found in publication PMID: 35346344, PMCID: PMC8962531

NM_000059.4(BRCA2):c.9990A>T (p.Glu3330Asp)

Gene: BRCA2 (BRCA2 DNA repair associated; plus strand). Cytogenetic location: 13q13.1.
Variant type: single nucleotide variant.
Coding change: c.9990A>T on transcript NM_000059.4 (MANE Select); coding-DNA position 9990, A replaced by T.
Protein change: p.Glu3330Asp; replaces glutamic acid 3330 with aspartic acid.
Molecular consequence: missense variant. On other transcripts: non-coding transcript variant (1).
Genome position (GRCh38, 1-based): chr13:32,398,503, A>T. VCF-style: chr13-32398503-A-T. GRCh37 (hg19) VCF-style: chr13-32972640-A-T.
Other names: c.9894A>T, p.Glu3298Asp (NM_001406719.1); c.9939A>T, p.Glu3313Asp (NM_001406720.1); c.5058A>T, p.Glu1686Asp (NM_001406721.1); c.3573A>T, p.Glu1191Asp (NM_001406722.1); short protein forms E1191D, E1686D, E3298D, E3313D, E3330D.
Identifiers: ClinVar variation 3075159 (VCV003075159.2), dbSNP rs1057520433, ClinGen allele CA387767607.
Genomic context (GRCh38, chr13:32,398,503, plus strand): 5'-ACCCATAAAGAAAAAAGAACTGAATTCTCCTCAGATGACTCCATTTAAAAAATTCAATGA[A>T]ATTTCTCTTTTGGAAAGTAATTCAATAGCTGACGAAGAACTTGCATTGATAAATACCCAA-3'
Protein context (NP_000050.3, residues 3320-3340): PQMTPFKKFN[Glu3330Asp]ISLLESNSIA